The following is an entry in ClinVar:

NM_145207.3(AFG2A):c.1678G>A (p.Val560Ile)

Gene: AFG2A (AAA ATPase AFG2A; plus strand). Cytogenetic location: 4q28.1.
Variant type: single nucleotide variant.
Coding change: c.1678G>A on transcript NM_145207.3 (MANE Select); coding-DNA position 1678, G replaced by A.
Protein change: p.Val560Ile; replaces valine 560 with isoleucine.
Molecular consequence: missense variant.
Genome position (GRCh38, 1-based): chr4:122,947,452, G>A. VCF-style: chr4-122947452-G-A. GRCh37 (hg19) VCF-style: chr4-123868607-G-A.
Other names: NM_001345856.2:c.1675G>A; c.1675G>A, p.Val559Ile (NM_001317799.2, NM_001345856.2); c.1678G>A (NM_145207.2); short protein forms V559I, V560I.
Identifiers: ClinVar variation 1393086 (VCV001393086.9), dbSNP rs756560225, ClinGen allele CA3070511.
Genomic context (GRCh38, chr4:122,947,452, plus strand): 5'-GTACCCCATTTGCTCACTGAGGCTGAGCTGCTGCAGCTGGCAAATAGTGCTCATGGATAC[G>A]TTGGAGCAGACTTGAAAGTCTTGTGTAATGAAGCAGGTGAGTGTGGTTTGCTATGGTGAG-3'
Protein context (NP_660208.2, residues 550-570): LQLANSAHGY[Val560Ile]GADLKVLCNE

ClinVar aggregate classification (germline): Conflicting classifications of pathogenicity. Review status: criteria provided, conflicting classifications (1 of 4 stars). 3 submissions from 3 submitters: Likely pathogenic (1); Uncertain significance (2). Last evaluated 2026-08-27.

Conditions:
Syndromic complex neurodevelopmental disorder. Identifiers: MedGen CN372091, MONDO:0800439.
Microcephaly-intellectual disability-sensorineural hearing loss-epilepsy-abnormal muscle tone syndrome (NEDHSB). Also called: NEURODEVELOPMENTAL DISORDER WITH HEARING LOSS, SEIZURES, AND BRAIN ABNORMALITIES. Identifiers: Orphanet 457351, MedGen C4225276, MONDO:0014698, OMIM 616577.
Inborn genetic diseases. Identifiers: MedGen C0950123, MeSH D030342.

Allele frequency attached by ClinVar (database versions not stated): ExAC 0.00001; gnomAD exomes below 0.00001; TOPMed 0.00001; gnomAD 0.00001.
gnomAD v4.1: 4 of 1,613,548 alleles (0.00025%); highest among the groups gnomAD compares: Admixed American, 0.0017%; no homozygotes.

Submissions (3):

Broad Center for Mendelian Genomics, Broad Institute of MIT and Harvard
Classification: Likely pathogenic for Syndromic complex neurodevelopmental disorder. Last evaluated: 2026-08-27. Review status: criteria provided, single submitter. Criteria: ACMG Guidelines, 2015. Collection method: research. Allele origin: germline. Inheritance: Autosomal recessive inheritance. Study: GREGoR Consortium.
Comment: Trio genome analysis revealed that this variant was in trans with the chromosomal rearrangement. The p.Val560Ile variant has been reported in 2 individuals with syndromic complex neurodevelopmental disorder (Kozhanova et al., Invitae) and was identified in 0.002% (1/59958) of Admixed American chromosomes by the Genome Aggregation Database (gnomAD; dbSNP rs756560225). Although this variant has been seen in the general population in a heterozygous state, its frequency is low enough to be consistent with a recessive carrier frequency. This variant has been reported in ClinVar (Variation ID: 1393086) and has been interpreted as a variant of uncertain significance by Ambry Genetics and Labcorp Genetics (formerly Invitae). Of the 3 affected individuals, 2 were compound heterozygotes that carried a reported pathogenic/likely pathogenic in trans, and one carried a VUS in trans, which increases the likelihood that the p.Val560Ile variant is pathogenic (Variation ID: 207803; Kozhanova 2020 et al, Invitae). Computational prediction tools and conservation analyses suggest that this variant may impact the protein, though this information is not predictive enough to determine pathogenicity. In summary, although additional studies are required to fully establish its clinical significance, this variant is likely pathogenic for autosomal recessive syndromic complex neurodevelopmental disorder. ACMG/AMP Criteria applied: PM3_strong, PP3, PM2_supporting (Richards 2015).

Ambry Genetics
Classification: Uncertain significance for Inborn genetic diseases. Last evaluated: 2025-10-06. Review status: criteria provided, single submitter. Criteria: Ambry Variant Classification Scheme 2023. Collection method: clinical testing. Allele origin: germline.

Labcorp Genetics (formerly Invitae), Labcorp
Classification: Uncertain significance for Microcephaly-intellectual disability-sensorineural hearing loss-epilepsy-abnormal muscle tone syndrome. Last evaluated: 2022-08-31. Review status: criteria provided, single submitter. Criteria: Invitae Variant Classification Sherloc (09022015). Collection method: clinical testing. Allele origin: germline.
Comment: Advanced modeling of protein sequence and biophysical properties (such as structural, functional, and spatial information, amino acid conservation, physicochemical variation, residue mobility, and thermodynamic stability) performed at Invitae indicates that this missense variant is expected to disrupt SPATA5 protein function. In summary, the available evidence is currently insufficient to determine the role of this variant in disease. Therefore, it has been classified as a Variant of Uncertain Significance. ClinVar contains an entry for this variant (Variation ID: 1393086). This variant has not been reported in the literature in individuals affected with SPATA5-related conditions. This variant is present in population databases (rs756560225, gnomAD 0.003%). This sequence change replaces valine, which is neutral and non-polar, with isoleucine, which is neutral and non-polar, at codon 560 of the SPATA5 protein (p.Val560Ile).